The following is an entry in ClinVar:

ClinVar aggregate classification (germline): Uncertain significance (1 of 4 stars; one submission).

Submission:

Ambry Genetics
Classification: Uncertain significance. Last evaluated: 2026-06-10. Review status: criteria provided, single submitter. Criteria: Ambry Variant Classification Scheme 2023. Collection method: clinical testing. Allele origin: germline.
Comment: The p.A1074P variant (also known as c.3220G>C), located in coding exon 12 of the WNK2 gene, results from a G to C substitution at nucleotide position 3220. The alanine at codon 1074 is replaced by proline, an amino acid with highly similar properties. This amino acid position is conserved. In addition, this alteration is predicted to be tolerated by in silico analysis. Based on the available evidence, the clinical significance of this variant remains unclear.

NM_006648.4(WNK2):c.3220G>C (p.Ala1074Pro)

Gene: WNK2 (WNK lysine deficient protein kinase 2; plus strand). Cytogenetic location: 9q22.31.
Variant type: single nucleotide variant.
Coding change: c.3220G>C on transcript NM_006648.4 (MANE Select); coding-DNA position 3220, G replaced by C.
Protein change: p.Ala1074Pro; replaces alanine 1074 with proline.
Molecular consequence: missense variant.
Genome position (GRCh38, 1-based): chr9:93,261,967, G>C. VCF-style: chr9-93261967-G-C. GRCh37 (hg19) VCF-style: chr9-96024249-G-C.
Other names: c.3220G>C, p.Ala1074Pro (NM_001282394.3); short protein forms A1074P.
Identifiers: ClinVar variation 4866757 (VCV004866757.1).